The following is an entry in ClinVar:

NM_001033044.4(GLUL):c.530A>G (p.Glu177Gly)

Genes: GLUL (glutamate-ammonia ligase; minus strand), LOC126805944 (CDK7 strongly-dependent group 2 enhancer GRCh37_chr1:182354799-182355998; plus strand). Cytogenetic location: 1q25.3.
Variant type: single nucleotide variant.
Coding change: c.530A>G on transcript NM_001033044.4 (MANE Select); coding-DNA position 530, A replaced by G.
Protein change: p.Glu177Gly; replaces glutamic acid 177 with glycine.
Molecular consequence: missense variant.
Genome position (GRCh38, 1-based): chr1:182,385,833, T>C on the plus strand (A>G on the coding strand, the complement: GLUL is on the minus strand). VCF-style: chr1-182385833-T-C. GRCh37 (hg19) VCF-style: chr1-182354968-T-C.
Other names: c.530A>G, p.Glu177Gly (NM_001033056.4, NM_002065.7); short protein forms E177G.
Identifiers: ClinVar variation 3359911 (VCV003359911.1).
Genomic context (GRCh38, chr1:182,385,833, plus strand): 5'-ACCTCGGCATTAGTCCCCGCAATCTTGACTCCAGCATACAAGCAGGCCCGGTAATGGGCC[T>C]CCACGATGTCCCTGCCATAGGCTCTGTCTGCTCCCACACCACAGTAATATGGACCTACAG-3'
Protein context (NP_001028216.1, residues 167-187): ADRAYGRDIV[Glu177Gly]AHYRACLYAG

ClinVar aggregate classification (germline): Uncertain significance (1 of 4 stars; one submission).

Submission:

GeneDx
Classification: Uncertain significance. Last evaluated: 2023-06-14. Review status: criteria provided, single submitter. Criteria: GeneDx Variant Classification Process June 2021. Collection method: clinical testing. Allele origin: germline. Affected: yes.
Comment: Not observed at significant frequency in large population cohorts (gnomAD); In silico analysis supports that this missense variant has a deleterious effect on protein structure/function; Has not been previously published as pathogenic or benign to our knowledge